The following is an entry in ClinVar:

ClinVar aggregate classification (germline): Pathogenic (1 of 4 stars; one submission).

Conditions:
Tubulinopathy. Also called: Tubulinopathies. Identifiers: MedGen CN850169, MONDO:0100153.

Submission:

Institute of Human Genetics, FAU Erlangen, Friedrich-Alexander-Universität Erlangen-Nürnberg
Classification: Pathogenic for Tubulinopathies. Last evaluated: 2018-07-01. Review status: criteria provided, single submitter. Criteria: ACMG Guidelines, 2015. Collection method: literature only. Allele origin: de novo. Affected: yes. Observed: 1 variant allele.
Comment: The c.1186G>T, p.(Asp396Tyr) variant has been reported as a variant of de novo origin. This variant and associated phenotype was previously reported by Bahi-Buisson et al. Brain, 2014 PMID: 24860126. Polymicrogyria (HP:0002126); Dysgenesis of the cerebellar vermis (HP:0002195); Microcephaly (HP:0000252)

Literature cited by the submitters: PubMed 30744660; DOI 10.1101/427948.

NM_006009.4(TUBA1A):c.1186G>T (p.Asp396Tyr)

Gene: TUBA1A (tubulin alpha 1a; minus strand). Cytogenetic location: 12q13.12.
Variant type: single nucleotide variant.
Coding change: c.1186G>T on transcript NM_006009.4 (MANE Select); coding-DNA position 1186, G replaced by T.
Protein change: p.Asp396Tyr; replaces aspartic acid 396 with tyrosine.
Molecular consequence: missense variant.
Genome position (GRCh38, 1-based): chr12:49,185,180, C>A on the plus strand (G>T on the coding strand, the complement: TUBA1A is on the minus strand). VCF-style: chr12-49185180-C-A. GRCh37 (hg19) VCF-style: chr12-49578963-C-A.
Other names: c.1186G>T, p.Asp396Tyr (NM_001270399.2); c.1081G>T, p.Asp361Tyr (NM_001270400.2); short protein forms D396Y, D361Y.
Identifiers: ClinVar variation 625505 (VCV000625505.2), dbSNP rs1565626951, ClinGen allele CA384634890.